The following is an entry in ClinVar:

Single allele

Genes: DEPDC1B (DEP domain containing 1B; minus strand), PDE4D (phosphodiesterase 4D; minus strand), PART1 (prostate androgen-regulated transcript 1; plus strand), LOC129993944 (ATAC-STARR-seq lymphoblastoid silent region 16038; plus strand), LOC129993942 (ATAC-STARR-seq lymphoblastoid active region 22586; plus strand) and 3 more. Cytogenetic location: 5q12.1.
Variant type: Deletion.
Identifiers: ClinVar variation 560134 (VCV000560134.3).

ClinVar aggregate classification (germline): Uncertain significance (1 of 4 stars; one submission).

Conditions:
Acrodysostosis 2 with or without hormone resistance. Also called: ACRODYSOSTOSIS 2 WITH HORMONE RESISTANCE; ACRODYSOSTOSIS 2 WITHOUT HORMONE RESISTANCE. Identifiers: Orphanet 280651, MedGen C3553250, MONDO:0013822, OMIM 614613.

Submission:

Geisinger Autism and Developmental Medicine Institute, Geisinger Health System
Classification: Uncertain significance for Acrodysostosis 2 with or without hormone resistance. Last evaluated: 2018-03-30. Review status: criteria provided, single submitter. Criteria: ACMG CNV Guidelines, 2011. Collection method: provider interpretation. Allele origin: unknown.
Comment: This deletion includes three genes, including PDE4D , and is within the region for the much larger 5q12.1 deletion syndrome. The clinical significance of a deletion of these genes is not currently known.

Literature cited by the submitters: PubMed 24203977.